The following is an entry in ClinVar:

NM_001242896.3(DEPDC5):c.1093_1103del (p.Asp365fs)

Gene: DEPDC5 (DEP domain containing 5, GATOR1 subcomplex subunit; plus strand). Cytogenetic location: 22q12.3.
Variant type: Deletion.
Coding change: c.1093_1103del on transcript NM_001242896.3 (MANE Select); coding-DNA positions 1093 to 1103, 11 bases deleted (GATTTGGTGTG).
Protein change: p.Asp365fs; shifts the reading frame from aspartic acid 365.
Molecular consequence: frameshift variant. On other transcripts: non-coding transcript variant (5).
Genome position (GRCh38, 1-based): chr22:31,804,173-31,804,183, GATTTGGTGTG deleted; deleting any 11 consecutive bases within chr22:31,804,165-31,804,183 gives the same sequence; the c. name uses the placement nearest the transcript's 3' end. VCF-style (leftmost placement, unchanged base first): chr22-31804164-ATTGGTGTGGAT-A. GRCh37 (hg19) VCF-style: chr22-32200150-ATTGGTGTGGAT-A.
Other names: c.1093_1103del, p.Asp365fs (NM_001007188.4, NM_001136029.4, NM_001242897.2 and 7 more transcripts); c.1009_1019del, p.Asp337fs (NM_001369901.1, NM_001369902.1); short protein forms D337fs, D365fs.
Identifiers: ClinVar variation 1810256 (VCV001810256.2), dbSNP rs2518913720, ClinGen allele CA2580099640.

ClinVar aggregate classification (germline): Pathogenic (1 of 4 stars; one submission).

Conditions:
Epilepsy. Also called: Seizure disorder. Identifiers: MedGen C0014544, MeSH D004827, MONDO:0005027.

Submission:

Dubai Health Genomic Medicine Center, Dubai Health
Classification: Pathogenic for Epilepsy. Last evaluated: 2024-10-04. Review status: criteria provided, single submitter. Criteria: ACMG Guidelines, 2015. Collection method: research. Allele origin: germline. Affected: yes.
Comment: PVS1, PM2, PP4